The following is an entry in ClinVar:

ClinVar aggregate classification (germline): Uncertain significance (1 of 4 stars; one submission).

gnomAD v4.1: 2 of 1,614,142 alleles (0.00012%); highest among the groups gnomAD compares: Non-Finnish European, 0.00017%; no homozygotes.

Submission:

Ambry Genetics
Classification: Uncertain significance. Last evaluated: 2024-12-08. Review status: criteria provided, single submitter. Criteria: Ambry Variant Classification Scheme 2023. Collection method: clinical testing. Allele origin: germline.
Comment: The p.Q731E variant (also known as c.2191C>G), located in coding exon 1 of the TET2 gene, results from a C to G substitution at nucleotide position 2191. The glutamine at codon 731 is replaced by glutamic acid, an amino acid with highly similar properties. This amino acid position is conserved. In addition, this alteration is predicted to be tolerated by in silico analysis. Based on the available evidence, the clinical significance of this variant remains unclear.

NM_001127208.3(TET2):c.2191C>G (p.Gln731Glu)

Genes: TET2 (tet methylcytosine dioxygenase 2; plus strand), TET2-AS1 (TET2 antisense RNA 1; minus strand). Cytogenetic location: 4q24.
Variant type: single nucleotide variant.
Coding change: c.2191C>G on transcript NM_001127208.3 (MANE Select); coding-DNA position 2191, C replaced by G.
Protein change: p.Gln731Glu; replaces glutamine 731 with glutamic acid.
Molecular consequence: missense variant.
Genome position (GRCh38, 1-based): chr4:105,236,133, C>G. VCF-style: chr4-105236133-C-G. GRCh37 (hg19) VCF-style: chr4-106157290-C-G.
Other names: c.2191C>G, p.Gln731Glu (NM_017628.4); short protein forms Q731E.
Identifiers: ClinVar variation 3455386 (VCV003455386.1).
Genomic context (GRCh38, chr4:105,236,133, plus strand): 5'-GAGCCATTTTCAAACTCACACCTTTTGCAACATAAGCCTCATAAACAGGCAGCACAAACA[C>G]AACCATCCCAGAGTTCACATCTCCCTCAAAACCAGCAACAGCAGCAAAAATTACAAATAA-3'
Protein context (NP_001120680.1, residues 721-741): HKPHKQAAQT[Gln731Glu]PSQSSHLPQN